The following is an entry in ClinVar:

ClinVar aggregate classification (germline): Likely benign. Review status: criteria provided, multiple submitters, no conflicts (2 of 4 stars). 4 submissions from 4 submitters: Likely benign (4). Last evaluated 2026-01-27.

Conditions:
Multiple endocrine neoplasia type 4. Also called: MULTIPLE ENDOCRINE NEOPLASIA, TYPE IV. Identifiers: Orphanet 276152, MedGen C1970712, MONDO:0012552, OMIM 610755.
Hereditary cancer-predisposing syndrome. Also called: Neoplastic Syndromes, Hereditary; Tumor predisposition; Hereditary neoplastic syndrome; Hereditary Cancer Syndrome. Identifiers: Orphanet 140162, MedGen C0027672, MeSH D009386, MONDO:0015356.

Allele frequency attached by ClinVar (database versions not stated): ExAC 0.00002; gnomAD 0.00003 and 0.00004; TOPMed 0.00003.
gnomAD v4.1: 24 of 1,601,050 alleles (0.0015%); highest among the groups gnomAD compares: African/African-American, 0.008%; no homozygotes.

Submissions (4):

Labcorp Genetics (formerly Invitae), Labcorp
Classification: Likely benign for Multiple endocrine neoplasia type 4. Last evaluated: 2026-01-27. Review status: criteria provided, single submitter. Criteria: Invitae Variant Classification Sherloc (09022015). Collection method: clinical testing. Allele origin: germline.

CeGaT Center for Human Genetics Tuebingen
Classification: Likely benign. Last evaluated: 2024-03-01. Review status: criteria provided, single submitter. Criteria: CeGaT Center For Human Genetics Tuebingen Variant Classification Criteria Version 2. Collection method: clinical testing. Allele origin: germline. Affected: yes. Observed: 1 variant allele.
Comment: CDKN1B: BP4, BP7

Blueprint Genetics
Classification: Likely benign. Last evaluated: 2021-07-14. Review status: criteria provided, single submitter. Criteria: ACMG Guidelines, 2015. Collection method: clinical testing. Allele origin: germline.

Ambry Genetics
Classification: Likely benign for Hereditary cancer-predisposing syndrome. Last evaluated: 2018-03-19. Review status: criteria provided, single submitter. Criteria: Ambry Variant Classification Scheme 2023. Collection method: clinical testing. Allele origin: germline.

NM_004064.5(CDKN1B):c.471C>A (p.Thr157=)

Gene: CDKN1B (cyclin dependent kinase inhibitor 1B; plus strand). Cytogenetic location: 12p13.1.
Variant type: single nucleotide variant.
Coding change: c.471C>A on transcript NM_004064.5 (MANE Select); coding-DNA position 471, C replaced by A.
Protein change: p.Thr157=; no amino-acid change (threonine 157 retained).
Molecular consequence: synonymous variant.
Genome position (GRCh38, 1-based): chr12:12,718,310, C>A. VCF-style: chr12-12718310-C-A. GRCh37 (hg19) VCF-style: chr12-12871244-C-A.
Identifiers: ClinVar variation 697961 (VCV000697961.37), dbSNP rs777875072, ClinGen allele CA6457508.
Genomic context (GRCh38, chr12:12,718,310, plus strand): 5'-GTCGGACAGCCAGACGGGGTTAGCGGAGCAATGCGCAGGAATAAGGAAGCGACCTGCAAC[C>A]GACGGTAATGACCCTTTCCCAACCATAGAATGTGTTTGGGGCCCCGCTTTGCCTGCTGGA-3'
Protein context (NP_004055.1, residues 147-167): QCAGIRKRPA[Thr157=]DDSSTQNKRA